The following is an entry in ClinVar:

ClinVar aggregate classification (germline): Uncertain significance. Review status: criteria provided, multiple submitters, no conflicts (2 of 4 stars). 3 submissions from 3 submitters: Uncertain significance (3). Last evaluated 2022-10-07.

Conditions:
Inborn genetic diseases. Identifiers: MedGen C0950123, MeSH D030342.

Allele frequency attached by ClinVar (database versions not stated): ExAC 0.00002; gnomAD 0.00002 and 0.00003; gnomAD exomes 0.00002; TOPMed 0.00005; 1000 Genomes Project 30x 0.00016; 1000 Genomes Project 0.00020.
gnomAD v4.1: 30 of 1,614,054 alleles (0.0019%); highest among the groups gnomAD compares: Admixed American, 0.018%; no homozygotes.

Submissions (3):

Labcorp Genetics (formerly Invitae), Labcorp
Classification: Uncertain significance. Last evaluated: 2022-10-07. Review status: criteria provided, single submitter. Criteria: Invitae Variant Classification Sherloc (09022015). Collection method: clinical testing. Allele origin: germline.
Comment: In summary, the available evidence is currently insufficient to determine the role of this variant in disease. Therefore, it has been classified as a Variant of Uncertain Significance. Algorithms developed to predict the effect of missense changes on protein structure and function are either unavailable or do not agree on the potential impact of this missense change (SIFT: "Deleterious"; PolyPhen-2: "Benign"; Align-GVGD: "Class C0"). ClinVar contains an entry for this variant (Variation ID: 806022). This variant has not been reported in the literature in individuals affected with CAMTA1-related conditions. This variant is present in population databases (rs201060099, gnomAD 0.01%). This sequence change replaces alanine, which is neutral and non-polar, with threonine, which is neutral and polar, at codon 427 of the CAMTA1 protein (p.Ala427Thr).

Ambry Genetics
Classification: Uncertain significance for Inborn genetic diseases. Last evaluated: 2021-09-27. Review status: criteria provided, single submitter. Criteria: Ambry Variant Classification Scheme 2023. Collection method: clinical testing. Allele origin: germline.

CeGaT Center for Human Genetics Tuebingen
Classification: Uncertain significance. Last evaluated: 2019-02-01. Review status: criteria provided, single submitter. Criteria: CeGaT Center For Human Genetics Tuebingen Variant Classification Criteria Version 2. Collection method: clinical testing. Allele origin: germline. Affected: yes. Observed: 1 variant allele.

NM_015215.4(CAMTA1):c.1279G>A (p.Ala427Thr)

Gene: CAMTA1 (calmodulin binding transcription activator 1; plus strand). Cytogenetic location: 1p36.23.
Variant type: single nucleotide variant.
Coding change: c.1279G>A on transcript NM_015215.4 (MANE Select); coding-DNA position 1279, G replaced by A.
Protein change: p.Ala427Thr; replaces alanine 427 with threonine.
Molecular consequence: missense variant.
Genome position (GRCh38, 1-based): chr1:7,663,826, G>A. VCF-style: chr1-7663826-G-A. GRCh37 (hg19) VCF-style: chr1-7723886-G-A.
Other names: c.1189G>A, p.Ala397Thr (NM_001349608.2, NM_001349612.2); c.1279G>A, p.Ala427Thr (NM_001349609.2, NM_001349610.2); c.1279G>A (NM_015215.2); short protein forms A397T, A427T.
Identifiers: ClinVar variation 806022 (VCV000806022.50), dbSNP rs201060099, ClinGen allele CA566417.